The following is an entry in ClinVar:

NM_145046.5(CALR3):c.192dup (p.Gly65fs)

Gene: CALR3 (calreticulin 3; minus strand). Cytogenetic location: 19p13.11.
Variant type: Duplication.
Coding change: c.192dup on transcript NM_145046.5 (MANE Select); coding-DNA position 192, one base duplicated (A; older notation c.192dupA).
Protein change: p.Gly65fs; shifts the reading frame from glycine 65.
Molecular consequence: frameshift variant.
Genome position (GRCh38, 1-based): chr19:16,495,752, T duplicated on the plus strand (A on the coding strand, the reverse complement: CALR3 is on the minus strand); the first of 3 consecutive T bases (chr19:16,495,752-16,495,754); duplicating any one gives the same sequence. VCF-style (leftmost placement, unchanged base first): chr19-16495751-C-CT. GRCh37 (hg19) VCF-style: chr19-16606562-C-CT.
Other names: short protein forms G65fs.
Identifiers: ClinVar variation 1520968 (VCV001520968.6), dbSNP rs1430239846, ClinGen allele CA783744220.

ClinVar aggregate classification (germline): Uncertain significance (1 of 4 stars; one submission).

Conditions:
Hypertrophic cardiomyopathy 19. Also called: Familial hypertrophic cardiomyopathy 19. Identifiers: MedGen CN077603, MONDO:0013476.

Submission:

Labcorp Genetics (formerly Invitae), Labcorp
Classification: Uncertain significance for Hypertrophic cardiomyopathy 19. Last evaluated: 2021-03-28. Review status: criteria provided, single submitter. Criteria: Invitae Variant Classification Sherloc (09022015). Collection method: clinical testing. Allele origin: germline.
Comment: In summary, the available evidence is currently insufficient to determine the role of this variant in disease. Therefore, it has been classified as a Variant of Uncertain Significance. This variant has not been reported in the literature in individuals with CALR3-related conditions. This variant is not present in population databases (ExAC no frequency). This sequence change creates a premature translational stop signal (p.Gly65Argfs*23) in the CALR3 gene. It is expected to result in an absent or disrupted protein product. However, the current clinical and genetic evidence is not sufficient to establish whether loss-of-function variants in CALR3 cause disease.